The following is an entry in ClinVar:

NM_003001.5(SDHC):c.355G>A (p.Ala119Thr)

Gene: SDHC (succinate dehydrogenase complex subunit C; plus strand). Cytogenetic location: 1q23.3.
Variant type: single nucleotide variant.
Coding change: c.355G>A on transcript NM_003001.5 (MANE Select); coding-DNA position 355, G replaced by A.
Protein change: p.Ala119Thr; replaces alanine 119 with threonine.
Molecular consequence: missense variant. On other transcripts: non-coding transcript variant (1), intron variant (3).
Genome position (GRCh38, 1-based): chr1:161,356,790, G>A. VCF-style: chr1-161356790-G-A. GRCh37 (hg19) VCF-style: chr1-161326580-G-A.
Other names: c.253G>A, p.Ala85Thr (NM_001035512.3); c.196G>A, p.Ala66Thr (NM_001035513.3); c.475G>A, p.Ala159Thr (NM_001407115.1); c.298G>A, p.Ala100Thr (NM_001407116.1); c.292G>A, p.Ala98Thr (NM_001407117.1); c.247G>A, p.Ala83Thr (NM_001407118.1); c.244G>A, p.Ala82Thr (NM_001407119.1, NM_001407120.1); c.242-5539G>A (NM_001035511.3); and 2 more; short protein forms A66T, A98T, A100T, A82T, A83T, A119T, A159T, A85T.
Identifiers: ClinVar variation 1732685 (VCV001732685.5), dbSNP rs2102371089, ClinGen allele CA343456599.

ClinVar aggregate classification (germline): Uncertain significance. Review status: criteria provided, multiple submitters, no conflicts (2 of 4 stars). 2 submissions from 2 submitters: Uncertain significance (2). Last evaluated 2023-12-02.

Conditions:
Hereditary cancer-predisposing syndrome. Also called: Tumor predisposition; Neoplastic Syndromes, Hereditary; Hereditary Cancer Syndrome; Hereditary neoplastic syndrome. Identifiers: Orphanet 140162, MedGen C0027672, MeSH D009386, MONDO:0015356.
Pheochromocytoma/paraganglioma syndrome 3. Also called: GLOMUS TUMORS, FAMILIAL, 3; SDHC-Related Hereditary Paraganglioma-Pheochromocytoma Syndrome; SDHC-Related Hereditary Paraganglioma-Pheochromocytoma Syndrome (Paragangliomas 3); Paragangliomas 3. Identifiers: Orphanet 29072, MedGen C1854336, MONDO:0011544, OMIM 605373.
Gastrointestinal stromal tumor. Also called: Gastrointestinal stroma tumor; Gastrointestinal stromal tumor, somatic. Identifiers: Orphanet 44890, MedGen C0238198, MeSH D046152, MONDO:0011719, OMIM 606764, HP:0100723.

Submissions (2):

Labcorp Genetics (formerly Invitae), Labcorp
Classification: Uncertain significance for Pheochromocytoma/paraganglioma syndrome 3; Gastrointestinal stromal tumor. Last evaluated: 2023-12-02. Review status: criteria provided, single submitter. Criteria: Invitae Variant Classification Sherloc (09022015). Collection method: clinical testing. Allele origin: germline.
Comment: This sequence change replaces alanine, which is neutral and non-polar, with threonine, which is neutral and polar, at codon 119 of the SDHC protein (p.Ala119Thr). This variant is not present in population databases (gnomAD no frequency). This variant has not been reported in the literature in individuals affected with SDHC-related conditions. ClinVar contains an entry for this variant (Variation ID: 1732685). An algorithm developed to predict the effect of missense changes on protein structure and function (PolyPhen-2) suggests that this variant is likely to be tolerated. In summary, the available evidence is currently insufficient to determine the role of this variant in disease. Therefore, it has been classified as a Variant of Uncertain Significance.

Ambry Genetics
Classification: Uncertain significance for Hereditary cancer-predisposing syndrome. Last evaluated: 2021-10-19. Review status: criteria provided, single submitter. Criteria: Ambry Variant Classification Scheme 2023. Collection method: clinical testing. Allele origin: germline.
Comment: The p.A119T variant (also known as c.355G>A), located in coding exon 5 of the SDHC gene, results from a G to A substitution at nucleotide position 355. The alanine at codon 119 is replaced by threonine, an amino acid with similar properties. This amino acid position is not well conserved in available vertebrate species. In addition, the in silico prediction for this alteration is inconclusive. Since supporting evidence is limited at this time, the clinical significance of this alteration remains unclear.